The following is an entry in ClinVar:

ClinVar aggregate classification (germline): Likely pathogenic (1 of 4 stars; one submission).

Conditions:
Hereditary cancer-predisposing syndrome. Also called: Tumor predisposition; Neoplastic Syndromes, Hereditary; Hereditary neoplastic syndrome; Hereditary Cancer Syndrome. Identifiers: Orphanet 140162, MedGen C0027672, MeSH D009386, MONDO:0015356.

Submission:

Labcorp Genetics (formerly Invitae), Labcorp
Classification: Likely pathogenic for Hereditary cancer-predisposing syndrome. Last evaluated: 2021-09-29. Review status: criteria provided, single submitter. Criteria: Invitae Variant Classification Sherloc (09022015). Collection method: clinical testing. Allele origin: germline.
Comment: In summary, the currently available evidence indicates that the variant is pathogenic, but additional data are needed to prove that conclusively. Therefore, this variant has been classified as Likely Pathogenic. Algorithms developed to predict the effect of sequence changes on RNA splicing suggest that this variant may disrupt the consensus splice site. This variant has not been reported in the literature in individuals affected with RAD50-related conditions. This variant is not present in population databases (ExAC no frequency). This sequence change affects an acceptor splice site in intron 15 of the RAD50 gene. It is expected to disrupt RNA splicing. Variants that disrupt the donor or acceptor splice site typically lead to a loss of protein function (PMID: 16199547), and loss-of-function variants in RAD50 are known to be pathogenic (PMID: 19409520).

Literature cited by the submitters: PubMed 16199547; PubMed 19409520.

NM_005732.4(RAD50):c.2525-1G>A

Gene: RAD50 (RAD50 double strand break repair protein; plus strand). Cytogenetic location: 5q31.1.
Variant type: single nucleotide variant.
Coding change: c.2525-1G>A on transcript NM_005732.4 (MANE Select); the canonical splice acceptor site of the intron before coding-DNA position 2525, G replaced by A.
Molecular consequence: splice acceptor variant.
Genome position (GRCh38, 1-based): chr5:132,604,805, G>A. VCF-style: chr5-132604805-G-A. GRCh37 (hg19) VCF-style: chr5-131940497-G-A.
Identifiers: ClinVar variation 1518049 (VCV001518049.6), dbSNP rs1015686770, ClinGen allele CA360956139.